The following is an entry in ClinVar:

NM_002392.6(MDM2):c.403C>T (p.Leu135Phe)

Gene: MDM2 (MDM2 proto-oncogene; plus strand). Cytogenetic location: 12q15.
Variant type: single nucleotide variant.
Coding change: c.403C>T on transcript NM_002392.6 (MANE Select); coding-DNA position 403, C replaced by T.
Protein change: p.Leu135Phe; replaces leucine 135 with phenylalanine.
Molecular consequence: missense variant. On other transcripts: intron variant (3).
Genome position (GRCh38, 1-based): chr12:68,824,407, C>T. VCF-style: chr12-68824407-C-T. GRCh37 (hg19) VCF-style: chr12-69218187-C-T.
Other names: c.385C>T, p.Leu129Phe (NM_001145337.3, NM_001367990.1); c.358+4033C>T (NM_001145339.2); c.156+10779C>T (NM_001278462.2, NM_001145340.3); short protein forms L129F, L135F.
Identifiers: ClinVar variation 2047388 (VCV002047388.4), dbSNP rs770802264, ClinGen allele CA6678672.

ClinVar aggregate classification (germline): Uncertain significance (1 of 4 stars; one submission).

Conditions:
Accelerated tumor formation, susceptibility to (ACTFS). Identifiers: MedGen C3280690, OMIM 614401, MONDO:0013733.

Allele frequency attached by ClinVar (database versions not stated): gnomAD 0.00001; gnomAD exomes below 0.00001; ExAC 0.00002.
gnomAD v4.1: 2 of 1,613,726 alleles (0.00012%); highest among the groups gnomAD compares: Non-Finnish European, 0.00017%; no homozygotes.

Submission:

Labcorp Genetics (formerly Invitae), Labcorp
Classification: Uncertain significance for Accelerated tumor formation, susceptibility to. Last evaluated: 2022-03-18. Review status: criteria provided, single submitter. Criteria: Invitae Variant Classification Sherloc (09022015). Collection method: clinical testing. Allele origin: germline.
Comment: Algorithms developed to predict the effect of missense changes on protein structure and function output the following: SIFT: "Tolerated"; PolyPhen-2: "Benign"; Align-GVGD: "Class C0". The phenylalanine amino acid residue is found in multiple mammalian species, which suggests that this missense change does not adversely affect protein function. This variant has not been reported in the literature in individuals affected with MDM2-related conditions. This variant is present in population databases (rs770802264, gnomAD 0.002%). This sequence change replaces leucine, which is neutral and non-polar, with phenylalanine, which is neutral and non-polar, at codon 135 of the MDM2 protein (p.Leu135Phe). In summary, the available evidence is currently insufficient to determine the role of this variant in disease. Therefore, it has been classified as a Variant of Uncertain Significance.